The following is an entry in ClinVar:

NM_017415.3(KLHL3):c.*3698G>A

Gene: KLHL3 (kelch like family member 3; minus strand). Cytogenetic location: 5q31.2.
Variant type: single nucleotide variant.
Coding change: c.*3698G>A on transcript NM_017415.3 (MANE Select); 3698 bases downstream of the stop codon, G replaced by A.
Molecular consequence: 3 prime UTR variant.
Genome position (GRCh38, 1-based): chr5:137,618,400, C>T on the plus strand (G>A on the coding strand, the complement: KLHL3 is on the minus strand). VCF-style: chr5-137618400-C-T. GRCh37 (hg19) VCF-style: chr5-136954089-C-T.
Other names: c.*3698G>A (NM_001257194.1, NM_001257195.2).
Identifiers: ClinVar variation 905404 (VCV000905404.4), dbSNP rs60066928, ClinGen allele CA128091853.
Genomic context (GRCh38, chr5:137,618,400, plus strand): 5'-TAATAATAATAAATTTTAAAAACCATGATGCAAATGGCAGATAAATACACAAAACAGAGC[C>T]TGGAGTAGAGACATAGCTCAAGAAGCAAGTTGTAAGTGTAGTGTGAGCACCTGCAAAGCA-3'

ClinVar aggregate classification (germline): Benign (1 of 4 stars; one submission).

Conditions:
Pseudohypoaldosteronism type 2D (PHA2D). Also called: FAMILIAL HYPERKALEMIC HYPERTENSION; PSEUDOHYPOALDOSTERONISM, TYPE IID, AUTOSOMAL DOMINANT OR RECESSIVE; Pseudohypoaldosteronism Type IID. Identifiers: Orphanet 300525, Orphanet 757, MedGen C3469605, MONDO:0013781, OMIM 614495.

Allele frequency attached by ClinVar (database versions not stated): gnomAD 0.00744 and 0.00785; TOPMed 0.00787; 1000 Genomes Project 0.00998; 1000 Genomes Project 30x 0.01156.

Submission:

Illumina Laboratory Services, Illumina
Classification: Benign for Pseudohypoaldosteronism type 2D. Last evaluated: 2018-01-12. Review status: criteria provided, single submitter. Criteria: ICSL Variant Classification Criteria 13 December 2019. Collection method: clinical testing. Allele origin: germline.
Comment: This variant was observed in the ICSL laboratory as part of a predisposition screen in an ostensibly healthy population. It had not been previously curated by ICSL or reported in the Human Gene Mutation Database (HGMD: prior to June 1st, 2018), and was therefore a candidate for classification through an automated scoring system. Utilizing variant allele frequency, disease prevalence and penetrance estimates, and inheritance mode, an automated score was calculated to assess if this variant is too frequent to cause the disease. Based on the score and internal cut-off values, a variant classified as benign is not then subjected to further curation. The score for this variant resulted in a classification of benign for this disease.